The following is an entry in ClinVar:

NM_001080397.3(SLC45A1):c.1227C>T (p.Asp409=)

Gene: SLC45A1 (solute carrier family 45 member 1; plus strand). Cytogenetic location: 1p36.23.
Variant type: single nucleotide variant.
Coding change: c.1227C>T on transcript NM_001080397.3 (MANE Select); coding-DNA position 1227, C replaced by T.
Protein change: p.Asp409=; no amino-acid change (aspartic acid 409 retained).
Molecular consequence: synonymous variant.
Genome position (GRCh38, 1-based): chr1:8,330,720, C>T. VCF-style: chr1-8330720-C-T. GRCh37 (hg19) VCF-style: chr1-8390780-C-T.
Other names: c.1227C>T, p.Asp409= (NM_001379614.1); c.1134C>T, p.Asp378= (NM_001379615.1, NM_001379616.1); c.621C>T, p.Asp207= (NM_001379617.1, NM_001379618.1).
Identifiers: ClinVar variation 1013223 (VCV001013223.39), dbSNP rs138729525, ClinGen allele CA570340.
Genomic context (GRCh38, chr1:8,330,720, plus strand): 5'-GGCCATCCCTGGCAGCGTCCCCAGGCCGCCCATCAGCGTCAGCTTCCCCCGGGCCCCCGA[C>T]GGCTTCTACCGCCAGGACCGTGGACTTCTGGAGGGCAGAGAGGGTGCCCTGACCTCCGGC-3'
Protein context (NP_001073866.3, residues 399-419): PISVSFPRAP[Asp409=]GFYRQDRGLL

ClinVar aggregate classification (germline): Likely benign. Review status: criteria provided, multiple submitters, no conflicts (2 of 4 stars). 2 submissions from 2 submitters: Likely benign (2). Last evaluated 2025-12-01.

Allele frequency attached by ClinVar (database versions not stated): gnomAD exomes 0.00022 and 0.00061; ExAC 0.00082; gnomAD 0.00223 and 0.00236; TOPMed 0.00257; ESP Exome Variant Server 0.00261; 1000 Genomes Project 30x 0.00375; 1000 Genomes Project 0.00399.
gnomAD v4.1: 675 of 1,613,156 alleles (0.042%); highest among the groups gnomAD compares: African/African-American, 0.75%; 3 homozygotes.

Submissions (2):

CeGaT Center for Human Genetics Tuebingen
Classification: Likely benign. Last evaluated: 2025-12-01. Review status: criteria provided, single submitter. Criteria: CeGaT Center For Human Genetics Tuebingen Variant Classification Criteria Version 2. Collection method: clinical testing. Allele origin: germline. Affected: yes. Observed: 5 variant alleles.
Comment: SLC45A1: BP4, BP7

Blueprint Genetics
Classification: Likely benign. Last evaluated: 2024-11-13. Review status: criteria provided, single submitter. Criteria: ACMG Guidelines, 2015. Collection method: clinical testing. Allele origin: germline.